The following is an entry in ClinVar:

NM_001172509.2(SATB2):c.1927G>A (p.Glu643Lys)

Genes: SATB2 (SATB homeobox 2; minus strand), LOC126806462 (MED14-independent group 3 enhancer GRCh37_chr2:200136608-200137807; plus strand). Cytogenetic location: 2q33.1.
Variant type: single nucleotide variant.
Coding change: c.1927G>A on transcript NM_001172509.2 (MANE Select); coding-DNA position 1927, G replaced by A.
Protein change: p.Glu643Lys; replaces glutamic acid 643 with lysine.
Molecular consequence: missense variant.
Genome position (GRCh38, 1-based): chr2:199,272,486, C>T on the plus strand (G>A on the coding strand, the complement: SATB2 is on the minus strand). VCF-style: chr2-199272486-C-T. GRCh37 (hg19) VCF-style: chr2-200137209-C-T.
Other names: c.1927G>A, p.Glu643Lys (NM_001172517.1, NM_015265.4); short protein forms E643K.
Identifiers: ClinVar variation 452989 (VCV000452989.2), dbSNP rs1553538927, ClinGen allele CA350385694.
Genomic context (GRCh38, chr2:199,272,486, plus strand): 5'-AGAACTTGATGATGGTGTGTTTGGGGAGATCCAGCTGAGCCGAAAGAGTGTGGATGGCTT[C>T]CTGGTCTGGGTACAGGCCTACATCATGAATAAAGCTTTGGAGGATCCCCAGGGCTTCTAA-3'
Protein context (NP_001165980.1, residues 633-653): IHDVGLYPDQ[Glu643Lys]AIHTLSAQLD

ClinVar aggregate classification (germline): Uncertain significance (1 of 4 stars; one submission).

Submission:

GeneDx
Classification: Uncertain significance. Last evaluated: 2017-10-23. Review status: criteria provided, single submitter. Criteria: GeneDx Variant Classification (06012015). Collection method: clinical testing. Allele origin: germline. Affected: yes.
Comment: The E643K variant in the SATB2 gene has not been reported previously as a pathogenic variant, nor as a benign variant, to our knowledge. The E643K variant is not observed in large population cohorts (Lek et al., 2016). The E643K variant is a non-conservative amino acid substitution, which is likely to impact secondary protein structure as these residues differ in polarity, charge, size and/or other properties. This substitution occurs at a position that is conserved across species. In silico analysis predicts this variant is probably damaging to the protein structure/function. We interpret E643K as a variant of uncertain significance.